The following is an entry in ClinVar:

ClinVar aggregate classification (germline): Pathogenic. Review status: criteria provided, multiple submitters, no conflicts (2 of 4 stars). 2 submissions from 2 submitters: Pathogenic (2). Last evaluated 2024-07-23.

Conditions:
Congenital dyserythropoietic anemia, type II (CDAN2). Also called: DYSERYTHROPOIETIC ANEMIA, HEMPAS TYPE. Identifiers: Orphanet 98873, MedGen C1306589, MONDO:0009134, OMIM 224100.
Cowden syndrome 7 (CWS7). Identifiers: Orphanet 201, MedGen C4225179, MONDO:0014802, OMIM 616858.
SEC23B-related disorder. Also called: SEC23B-related disorders; SEC23B-related condition.

Allele frequency attached by ClinVar (database versions not stated): gnomAD 0.00001; gnomAD exomes 0.00001; ExAC 0.00002; TOPMed 0.00002.
gnomAD v4.1: 16 of 1,613,986 alleles (0.00099%); highest among the groups gnomAD compares: Admixed American, 0.0067%; no homozygotes.

Submissions (2):

Labcorp Genetics (formerly Invitae), Labcorp
Classification: Pathogenic for Congenital dyserythropoietic anemia, type II; Cowden syndrome 7. Last evaluated: 2024-07-23. Review status: criteria provided, single submitter. Criteria: Invitae Variant Classification Sherloc (09022015). Collection method: clinical testing. Allele origin: germline.
Comment: This sequence change creates a premature translational stop signal (p.Arg554*) in the SEC23B gene. It is expected to result in an absent or disrupted protein product. Loss-of-function variants in SEC23B are known to be pathogenic (PMID: 19561605, 25044164). This variant is present in population databases (rs778016282, gnomAD 0.006%). This premature translational stop signal has been observed in individual(s) with congenital dyserythropoietic anemia, type II (PMID: 19621418). Algorithms developed to predict the effect of sequence changes on RNA splicing suggest that this variant may disrupt the consensus splice site. For these reasons, this variant has been classified as Pathogenic.

Blueprint Genetics
Classification: Pathogenic for SEC23B-related disorders. Last evaluated: 2021-07-22. Review status: criteria provided, single submitter. Criteria: ACMG Guidelines, 2015. Collection method: clinical testing. Allele origin: germline. Affected: yes. Observed: 3 variant alleles.

Literature cited by the submitters: PubMed 19561605 (cited by Labcorp Genetics (formerly Invitae), Labcorp); PubMed 25044164 (cited by Labcorp Genetics (formerly Invitae), Labcorp); PubMed 19621418 (cited by Labcorp Genetics (formerly Invitae), Labcorp).

NM_006363.6(SEC23B):c.1660C>T (p.Arg554Ter)

Gene: SEC23B (SEC23 homolog B, COPII component; plus strand). Cytogenetic location: 20p11.23.
Variant type: single nucleotide variant.
Coding change: c.1660C>T on transcript NM_006363.6 (MANE Select); coding-DNA position 1660, C replaced by T.
Protein change: p.Arg554Ter; replaces arginine 554 with a stop codon.
Molecular consequence: nonsense.
Genome position (GRCh38, 1-based): chr20:18,543,167, C>T. VCF-style: chr20-18543167-C-T. GRCh37 (hg19) VCF-style: chr20-18523811-C-T.
Other names: c.1660C>T, p.Arg554Ter (NM_001172745.3, NM_032985.6, NM_032986.5); c.1606C>T, p.Arg536Ter (NM_001172746.3); short protein forms R554*, R536*.
Identifiers: ClinVar variation 2950689 (VCV002950689.4), dbSNP rs778016282, ClinGen allele CA9778438.
Genomic context (GRCh38, chr20:18,543,167, plus strand): 5'-TTCCGAGCGGAGTCAGAGGAGGGGCCCGATGTGCTCCGGTGGCTGGACCGACAACTCATC[C>T]GACTGGTAAATTGGGGACAGTGGCATTAGGTTCAGTCTTGGTTTCTGCTTTACTTTCGAG-3'